The following is an entry in ClinVar:

ClinVar aggregate classification (germline): Uncertain significance (1 of 4 stars; one submission).

Conditions:
Cohen syndrome (COH1). Also called: PEPPER SYNDROME; Cutis verticis gyrata, retinitis pigmentosa, and sensorineural deafness. Identifiers: Orphanet 193, MedGen C0265223, MONDO:0008999, OMIM 216550.

Allele frequency attached by ClinVar (database versions not stated): TOPMed below 0.00001.

Submission:

Labcorp Genetics (formerly Invitae), Labcorp
Classification: Uncertain significance for Cohen syndrome. Last evaluated: 2022-09-07. Review status: criteria provided, single submitter. Criteria: Invitae Variant Classification Sherloc (09022015). Collection method: clinical testing. Allele origin: germline.
Comment: This sequence change replaces threonine with serine at codon 301 of the VPS13B protein (p.Thr301Ser). The threonine residue is weakly conserved and there is a small physicochemical difference between threonine and serine. This variant is not present in population databases (gnomAD no frequency). This variant has not been reported in the literature in individuals affected with VPS13B-related conditions. ClinVar contains an entry for this variant (Variation ID: 1515566). Algorithms developed to predict the effect of missense changes on protein structure and function output the following: SIFT: "Not Available"; PolyPhen-2: "Benign"; Align-GVGD: "Not Available". The serine amino acid residue is found in multiple mammalian species, which suggests that this missense change does not adversely affect protein function. In summary, the available evidence is currently insufficient to determine the role of this variant in disease. Therefore, it has been classified as a Variant of Uncertain Significance.

NM_152564.5(VPS13B):c.902C>G (p.Thr301Ser)

Gene: VPS13B (vacuolar protein sorting 13 homolog B; plus strand). Cytogenetic location: 8q22.2.
Variant type: single nucleotide variant.
Coding change: c.902C>G on transcript NM_152564.5 (MANE Select); coding-DNA position 902, C replaced by G.
Protein change: p.Thr301Ser; replaces threonine 301 with serine.
Molecular consequence: missense variant. On other transcripts: non-coding transcript variant (1).
Genome position (GRCh38, 1-based): chr8:99,115,839, C>G. VCF-style: chr8-99115839-C-G. GRCh37 (hg19) VCF-style: chr8-100128067-C-G.
Other names: c.902C>G, p.Thr301Ser (NM_015243.3, NM_017890.5, NM_181661.3); short protein forms T301S.
Identifiers: ClinVar variation 1515566 (VCV001515566.6), dbSNP rs1847628494, ClinGen allele CA371860655.
Genomic context (GRCh38, chr8:99,115,839, plus strand): 5'-GAATTGCTCTTTACTATGGAGAAATAGGCAATTTTAAAGAAGGCGAAATAGAGGACCTTA[C>G]TTGTCATAATAAAGATATGCTAGGAAACATTACAGGTAATGTAAAACTTTATTAAACAAA-3'
Protein context (NP_689777.3, residues 291-311): NFKEGEIEDL[Thr301Ser]CHNKDMLGNI